The following is an entry in ClinVar:

ClinVar aggregate classification (germline): Uncertain significance. Review status: criteria provided, multiple submitters, no conflicts (2 of 4 stars). 2 submissions from 2 submitters: Uncertain significance (2). Last evaluated 2025-03-03.

Conditions:
Inborn genetic diseases. Identifiers: MedGen C0950123, MeSH D030342.

Submissions (2):

Ambry Genetics
Classification: Uncertain significance for Inborn genetic diseases. Last evaluated: 2025-03-03. Review status: criteria provided, single submitter. Criteria: Ambry Variant Classification Scheme 2023. Collection method: clinical testing. Allele origin: germline.
Comment: The p.D77E variant (also known as c.231C>G), located in coding exon 1 of the ANKRD26 gene, results from a C to G substitution at nucleotide position 231. The aspartic acid at codon 77 is replaced by glutamic acid, an amino acid with highly similar properties. This amino acid position is conserved. In addition, this alteration is predicted to be tolerated by in silico analysis. Based on the available evidence, the clinical significance of this variant remains unclear.

Labcorp Genetics (formerly Invitae), Labcorp
Classification: Uncertain significance. Last evaluated: 2024-11-06. Review status: criteria provided, single submitter. Criteria: Invitae Variant Classification Sherloc (09022015). Collection method: clinical testing. Allele origin: germline.
Comment: This sequence change replaces aspartic acid, which is acidic and polar, with glutamic acid, which is acidic and polar, at codon 77 of the ANKRD26 protein (p.Asp77Glu). This variant is not present in population databases (gnomAD no frequency). This variant has not been reported in the literature in individuals affected with ANKRD26-related conditions. An algorithm developed to predict the effect of missense changes on protein structure and function (PolyPhen-2) suggests that this variant is likely to be disruptive. In summary, the available evidence is currently insufficient to determine the role of this variant in disease. Therefore, it has been classified as a Variant of Uncertain Significance.

NM_014915.3(ANKRD26):c.231C>G (p.Asp77Glu)

Gene: ANKRD26 (ankyrin repeat domain 26; minus strand). Cytogenetic location: 10p12.1.
Variant type: single nucleotide variant.
Coding change: c.231C>G on transcript NM_014915.3 (MANE Select); coding-DNA position 231, C replaced by G.
Protein change: p.Asp77Glu; replaces aspartic acid 77 with glutamic acid.
Molecular consequence: missense variant.
Genome position (GRCh38, 1-based): chr10:27,100,096, G>C on the plus strand (C>G on the coding strand, the complement: ANKRD26 is on the minus strand). VCF-style: chr10-27100096-G-C. GRCh37 (hg19) VCF-style: chr10-27389025-G-C.
Other names: c.231C>G, p.Asp77Glu (NM_001256053.2); short protein forms D77E.
Identifiers: ClinVar variation 3724765 (VCV003724765.3).